The following is an entry in ClinVar:

NM_000304.4(PMP22):c.*3C>T

Gene: PMP22 (peripheral myelin protein 22; minus strand). Cytogenetic location: 17p12.
Variant type: single nucleotide variant.
Coding change: c.*3C>T on transcript NM_000304.4 (MANE Select); 3 bases downstream of the stop codon, C replaced by T.
Molecular consequence: 3 prime UTR variant. On other transcripts: non-coding transcript variant (2).
Genome position (GRCh38, 1-based): chr17:15,230,914, G>A on the plus strand (C>T on the coding strand, the complement: PMP22 is on the minus strand). VCF-style: chr17-15230914-G-A. GRCh37 (hg19) VCF-style: chr17-15134231-G-A.
Other names: c.*3C>T (NM_001281455.2, NM_001281456.2, NM_153321.3 and 1 more transcripts).
Identifiers: ClinVar variation 321861 (VCV000321861.7), dbSNP rs373690370, ClinGen allele CA8403290.

ClinVar aggregate classification (germline): Conflicting classifications of pathogenicity. Review status: criteria provided, conflicting classifications (1 of 4 stars). 4 submissions from 3 submitters: Likely pathogenic (1); Uncertain significance (2); Likely benign (1). Last evaluated 2026-09-04.

Conditions:
PMP22-related disorder. Also called: PMP22-related disorders; PMP22-related condition.
Tip-toe gait. Also called: Toe walking. Identifiers: MedGen C0427144, HP:0030051.
Charcot-Marie-Tooth disease, type I (CMT1). Also called: Charcot-Marie-Tooth, Type 1; Charcot-Marie-Tooth disease type 1. Identifiers: Orphanet 65753, MedGen C0751036, MONDO:0019011.
Hereditary liability to pressure palsies (HNPP). Also called: POLYNEUROPATHY, FAMILIAL RECURRENT; TOMACULOUS NEUROPATHY; Hereditary Neuropathy with Liability to Pressure Palsies. Identifiers: Orphanet 640, MedGen C0393814, MONDO:0008087, OMIM 162500.

Allele frequency attached by ClinVar (database versions not stated): ExAC 0.00009; gnomAD exomes 0.00009 and 0.00011; TOPMed 0.00009; gnomAD 0.00011; ESP Exome Variant Server 0.00015.
gnomAD v4.1: 180 of 1,613,590 alleles (0.011%); highest among the groups gnomAD compares: South Asian, 0.024%; no homozygotes.

Submissions (4):

PreventionGenetics, part of Exact Sciences
Classification: Likely benign for PMP22-related condition. Last evaluated: 2026-09-04. Review status: criteria provided, single submitter. Criteria: ACMG Guidelines, 2015. Collection method: clinical testing. Allele origin: germline.
Comment: This variant is classified as likely benign based on ACMG/AMP sequence variant interpretation guidelines (Richards et al. 2015 PMID: 25741868, with internal and published modifications).

Practice for Gait Abnormalities, David Pomarino, Competency Network Toe Walking C/o Practice Pomarino
Classification: Likely pathogenic for Tip-toe gait. Last evaluated: 2022-02-14. Review status: criteria provided, single submitter. Criteria: Pomarino et al. (Glob Med Genet. 2023). Collection method: clinical testing. Allele origin: germline. Affected: yes.
Comment: It was found that these children show clear signs of mild neuropathy: 1. Hyperhidrosis, 2. High arches, 3. Funnel chest, 4. Toe walking. The publication is entitled “Toe Walking as a Primary Clinical Indicator of PMP22 Mutation-Associated Neuropathies in Children.”

Illumina Laboratory Services, Illumina
Classification: Uncertain significance for Hereditary liability to pressure palsies. Last evaluated: 2018-01-13. Review status: criteria provided, single submitter. Criteria: ICSL Variant Classification Criteria 13 December 2019. Collection method: clinical testing. Allele origin: germline.

Illumina Laboratory Services, Illumina
Classification: Uncertain significance for Charcot-Marie-Tooth disease, type I. Last evaluated: 2018-01-13. Review status: criteria provided, single submitter. Criteria: ICSL Variant Classification Criteria 13 December 2019. Collection method: clinical testing. Allele origin: germline.